The following is an entry in ClinVar:

NM_152564.5(VPS13B):c.11275C>G (p.Gln3759Glu)

Gene: VPS13B (vacuolar protein sorting 13 homolog B; plus strand). Cytogenetic location: 8q22.2.
Variant type: single nucleotide variant.
Coding change: c.11275C>G on transcript NM_152564.5 (MANE Select); coding-DNA position 11275, C replaced by G.
Protein change: p.Gln3759Glu; replaces glutamine 3759 with glutamic acid.
Molecular consequence: missense variant.
Genome position (GRCh38, 1-based): chr8:99,868,348, C>G. VCF-style: chr8-99868348-C-G. GRCh37 (hg19) VCF-style: chr8-100880576-C-G.
Other names: c.11350C>G, p.Gln3784Glu (NM_017890.5); c.11275C>G (NM_152564.4); short protein forms Q3759E, Q3784E.
Identifiers: ClinVar variation 212571 (VCV000212571.10), dbSNP rs797046093, ClinGen allele CA208365.

ClinVar aggregate classification (germline): Uncertain significance. Review status: criteria provided, multiple submitters, no conflicts (2 of 4 stars). 3 submissions from 3 submitters: Uncertain significance (3). Last evaluated 2024-11-15.

Conditions:
VPS13B-related disorder. Also called: VPS13B-related condition.
Cohen syndrome (COH1). Also called: Cutis verticis gyrata, retinitis pigmentosa, and sensorineural deafness; PEPPER SYNDROME. Identifiers: Orphanet 193, MedGen C0265223, MONDO:0008999, OMIM 216550.

Allele frequency attached by ClinVar (database versions not stated): gnomAD exomes below 0.00001; TOPMed below 0.00001.
gnomAD v4.1: 3 of 1,614,128 alleles (0.00019%); highest among the groups gnomAD compares: African/African-American, 0.0013%; no homozygotes.

Submissions (3):

PreventionGenetics, part of Exact Sciences
Classification: Uncertain significance for VPS13B-related condition. Last evaluated: 2024-11-15. Review status: criteria provided, single submitter. Criteria: ACMG Guidelines, 2015. Collection method: clinical testing. Allele origin: germline.
Comment: The VPS13B c.11275C>G variant is predicted to result in the amino acid substitution p.Gln3759Glu. To our knowledge, this variant has not been reported in the literature or in a large population database (gnomAD), indicating this variant is rare. At this time, the clinical significance of this variant is uncertain due to the absence of conclusive functional and genetic evidence.

Labcorp Genetics (formerly Invitae), Labcorp
Classification: Uncertain significance for Cohen syndrome. Last evaluated: 2021-08-31. Review status: criteria provided, single submitter. Criteria: Invitae Variant Classification Sherloc (09022015). Collection method: clinical testing. Allele origin: germline.

Genetic Services Laboratory, University of Chicago
Classification: Uncertain significance. Last evaluated: 2015-04-23. Review status: criteria provided, single submitter. Criteria: ACMG Guidelines, 2015. Collection method: clinical testing. Allele origin: germline.